The following is an entry in ClinVar:

NM_000260.4(MYO7A):c.1797+7C>T

Gene: MYO7A (myosin VIIA; plus strand). Cytogenetic location: 11q13.5.
Variant type: single nucleotide variant.
Coding change: c.1797+7C>T on transcript NM_000260.4 (MANE Select); 7 bases into the intron after coding-DNA position 1797, C replaced by T.
Molecular consequence: intron variant.
Genome position (GRCh38, 1-based): chr11:77,166,169, C>T. VCF-style: chr11-77166169-C-T. GRCh37 (hg19) VCF-style: chr11-76877215-C-T.
Other names: c.1764+7C>T (NM_001369365.1); c.1797+7C>T (NM_001127180.2, NM_000260.3).
Identifiers: ClinVar variation 990568 (VCV000990568.12), dbSNP rs782820757, ClinGen allele CA6197591.

ClinVar aggregate classification (germline): Likely benign. Review status: criteria provided, multiple submitters, no conflicts (2 of 4 stars). 4 submissions from 4 submitters: Likely benign (3). 1 of the submissions does not count toward it. Last evaluated 2026-08-04.

Conditions:
MYO7A-related disorder. Also called: MYO7A-related disorders.
Usher syndrome type 1B (USH1B). Also called: Usher syndrome type IB. Identifiers: MedGen C1848638, MONDO:0700087.

Allele frequency attached by ClinVar (database versions not stated): TOPMed 0.00003; gnomAD exomes 0.00004 and 0.00006; ExAC 0.00010; gnomAD 0.00010 and 0.00011.
gnomAD v4.1: 76 of 1,612,896 alleles (0.0047%); highest among the groups gnomAD compares: Middle Eastern, 0.033%; no homozygotes.

Submissions (4):

PreventionGenetics, part of Exact Sciences
Classification: Likely benign for MYO7A-related condition. Last evaluated: 2026-08-04. Review status: criteria provided, single submitter. Criteria: ACMG Guidelines, 2015. Collection method: clinical testing. Allele origin: germline.
Comment: This variant is classified as likely benign based on ACMG/AMP sequence variant interpretation guidelines (Richards et al. 2015 PMID: 25741868, with internal and published modifications).

Labcorp Genetics (formerly Invitae), Labcorp
Classification: Likely benign. Last evaluated: 2026-01-15. Review status: criteria provided, single submitter. Criteria: Invitae Variant Classification Sherloc (09022015). Collection method: clinical testing. Allele origin: germline.

Blueprint Genetics
Classification: Likely benign. Last evaluated: 2024-11-21. Review status: criteria provided, single submitter. Criteria: ACMG Guidelines, 2015. Collection method: clinical testing. Allele origin: germline.

Natera, Inc.
Classification: Uncertain significance for Usher syndrome type 1B. Last evaluated: 2020-04-16. Review status: no assertion criteria provided. Collection method: clinical testing. Allele origin: germline. Not counted in ClinVar's aggregate classification.